The following is an entry in ClinVar:

ClinVar aggregate classification (germline): Likely pathogenic (1 of 4 stars; one submission).

Submission:

Labcorp Genetics (formerly Invitae), Labcorp
Classification: Likely pathogenic. Last evaluated: 2023-07-29. Review status: criteria provided, single submitter. Criteria: Invitae Variant Classification Sherloc (09022015). Collection method: clinical testing. Allele origin: germline.
Comment: In summary, the currently available evidence indicates that the variant is pathogenic, but additional data are needed to prove that conclusively. Therefore, this variant has been classified as Likely Pathogenic. Algorithms developed to predict the effect of sequence changes on RNA splicing suggest that this variant may disrupt the consensus splice site. This variant has not been reported in the literature in individuals affected with HPS1-related conditions. This variant results in the deletion of part of exon 4 (c.118-2_139del) of the HPS1 gene. It is expected to disrupt RNA splicing. Variants that disrupt the donor or acceptor splice site typically lead to a loss of protein function (PMID: 16199547), and loss-of-function variants in HPS1 are known to be pathogenic (PMID: 12442288, 16185271). This variant is not present in population databases (gnomAD no frequency).

Literature cited by the submitters: PubMed 16199547; PubMed 12442288; PubMed 16185271.

NM_000195.5(HPS1):c.118-2_139del

Gene: HPS1 (HPS1 biogenesis of lysosomal organelles complex 3 subunit 1; minus strand). Cytogenetic location: 10q24.2.
Variant type: Deletion.
Coding change: c.118-2_139del on transcript NM_000195.5 (MANE Select); the canonical splice acceptor site of the intron before coding-DNA position 118 through coding-DNA position 139, 24 bases deleted (AGCTCCCTGCCCTGGAGGACCAGC).
Molecular consequence: splice acceptor variant.
Genome position (GRCh38, 1-based): chr10:98,435,751-98,435,774, GCTGGTCCTCCAGGGCAGGGAGCT deleted on the plus strand (AGCTCCCTGCCCTGGAGGACCAGC on the coding strand, the reverse complement: HPS1 is on the minus strand); deleting any 24 consecutive bases within chr10:98,435,751-98,435,776 gives the same sequence; the c. name uses the placement nearest the transcript's 3' end. VCF-style (leftmost placement, unchanged base first): chr10-98435750-AGCTGGTCCTCCAGGGCAGGGAGCT-A. GRCh37 (hg19) VCF-style: chr10-100195507-AGCTGGTCCTCCAGGGCAGGGAGCT-A.
Other names: c.-109-2_-88del (NM_001322483.2, NM_001322485.2, NM_001322484.2); c.118-2_139del (NM_001322480.2, NM_001322478.2, NM_001322476.2 and 8 more transcripts); c.-656-2_-635del (NM_001322489.2); c.-799-2_-778del (NM_001311345.2); c.-898-2_-877del (NM_001322487.2).
Identifiers: ClinVar variation 2748039 (VCV002748039.3), dbSNP rs2538995420, ClinGen allele CA2697558702.